The following is an entry in ClinVar:

ClinVar aggregate classification (germline): Uncertain significance (1 of 4 stars; one submission).

Conditions:
Erythrocytosis, familial, 3 (ECYT3). Identifiers: Orphanet 247511, MedGen C1853286, MONDO:0012353, OMIM 609820.

Submission:

Labcorp Genetics (formerly Invitae), Labcorp
Classification: Uncertain significance for Erythrocytosis, familial, 3. Last evaluated: 2025-10-21. Review status: criteria provided, single submitter. Criteria: Invitae Variant Classification Sherloc (09022015). Collection method: clinical testing. Allele origin: germline.
Comment: This sequence change replaces arginine, which is basic and polar, with glycine, which is neutral and non-polar, at codon 252 of the EGLN1 protein (p.Arg252Gly). This variant is not present in population databases (gnomAD no frequency). This variant has not been reported in the literature in individuals affected with EGLN1-related conditions. An algorithm developed to predict the effect of missense changes on protein structure and function (PolyPhen-2) suggests that this variant is likely to be disruptive. In summary, the available evidence is currently insufficient to determine the role of this variant in disease. Therefore, it has been classified as a Variant of Uncertain Significance.

NM_022051.3(EGLN1):c.754C>G (p.Arg252Gly)

Gene: EGLN1 (egl-9 family hypoxia inducible factor 1; minus strand). Cytogenetic location: 1q42.2.
Variant type: single nucleotide variant.
Coding change: c.754C>G on transcript NM_022051.3 (MANE Select); coding-DNA position 754, C replaced by G.
Protein change: p.Arg252Gly; replaces arginine 252 with glycine.
Molecular consequence: missense variant.
Genome position (GRCh38, 1-based): chr1:231,421,135, G>C on the plus strand (C>G on the coding strand, the complement: EGLN1 is on the minus strand). VCF-style: chr1-231421135-G-C. GRCh37 (hg19) VCF-style: chr1-231556881-G-C.
Other names: c.754C>G, p.Arg252Gly (NM_001377260.1, NM_001377261.1); short protein forms R252G.
Identifiers: ClinVar variation 4729563 (VCV004729563.1).